The following is an entry in ClinVar:

ClinVar aggregate classification (germline): Uncertain significance (1 of 4 stars; one submission).

gnomAD v4.1: 28 of 1,613,520 alleles (0.0017%); highest among the groups gnomAD compares: East Asian, 0.018%; no homozygotes.

Submission:

Labcorp Genetics (formerly Invitae), Labcorp
Classification: Uncertain significance. Last evaluated: 2024-09-26. Review status: criteria provided, single submitter. Criteria: Invitae Variant Classification Sherloc (09022015). Collection method: clinical testing. Allele origin: germline.
Comment: This sequence change replaces arginine, which is basic and polar, with glutamine, which is neutral and polar, at codon 268 of the ERCC8 protein (p.Arg268Gln). This variant is present in population databases (rs780533651, gnomAD 0.006%). This variant has not been reported in the literature in individuals affected with ERCC8-related conditions. Invitae Evidence Modeling of protein sequence and biophysical properties (such as structural, functional, and spatial information, amino acid conservation, physicochemical variation, residue mobility, and thermodynamic stability) indicates that this missense variant is not expected to disrupt ERCC8 protein function with a negative predictive value of 80%. In summary, the available evidence is currently insufficient to determine the role of this variant in disease. Therefore, it has been classified as a Variant of Uncertain Significance.

NM_000082.4(ERCC8):c.803G>A (p.Arg268Gln)

Gene: ERCC8 (ERCC excision repair 8, CSA ubiquitin ligase complex subunit; minus strand). Cytogenetic location: 5q12.1.
Variant type: single nucleotide variant.
Coding change: c.803G>A on transcript NM_000082.4 (MANE Select); coding-DNA position 803, G replaced by A.
Protein change: p.Arg268Gln; replaces arginine 268 with glutamine.
Molecular consequence: missense variant.
Genome position (GRCh38, 1-based): chr5:60,898,316, C>T on the plus strand (G>A on the coding strand, the complement: ERCC8 is on the minus strand). VCF-style: chr5-60898316-C-T. GRCh37 (hg19) VCF-style: chr5-60194143-C-T.
Other names: c.629G>A, p.Arg210Gln (NM_001007233.3); c.344G>A, p.Arg115Gln (NM_001290285.2); short protein forms R268Q, R115Q, R210Q.
Identifiers: ClinVar variation 3708071 (VCV003708071.1).